The following is an entry in ClinVar:

ClinVar aggregate classification (germline): Uncertain significance (1 of 4 stars; one submission).

Conditions:
ALG9 congenital disorder of glycosylation (CDG1L). Also called: CDG Il; ALG9-CDG; CONGENITAL DISORDER OF GLYCOSYLATION, TYPE Il. Identifiers: Orphanet 79328, MedGen C2931006, MONDO:0012117, OMIM 608776.

Allele frequency attached by ClinVar (database versions not stated): gnomAD 0.00001; TOPMed 0.00001; ExAC 0.00002; gnomAD exomes 0.00003.

Submission:

Labcorp Genetics (formerly Invitae), Labcorp
Classification: Uncertain significance for ALG9 congenital disorder of glycosylation. Last evaluated: 2022-08-03. Review status: criteria provided, single submitter. Criteria: Invitae Variant Classification Sherloc (09022015). Collection method: clinical testing. Allele origin: germline.
Comment: In summary, the available evidence is currently insufficient to determine the role of this variant in disease. Therefore, it has been classified as a Variant of Uncertain Significance. Experimental studies and prediction algorithms are not available or were not evaluated, and the functional significance of this variant is currently unknown. This variant has not been reported in the literature in individuals affected with ALG9-related conditions. This variant is present in population databases (rs782528335, gnomAD 0.007%). This sequence change replaces histidine, which is basic and polar, with tyrosine, which is neutral and polar, at codon 339 of the ALG9 protein (p.His339Tyr).

NM_024740.2(ALG9):c.1015C>T (p.His339Tyr)

Gene: ALG9 (ALG9 alpha-1,2-mannosyltransferase; minus strand). Cytogenetic location: 11q23.1.
Variant type: single nucleotide variant.
Coding change: c.1015C>T on transcript NM_024740.2 (MANE Select); coding-DNA position 1015, C replaced by T.
Protein change: p.His339Tyr; replaces histidine 339 with tyrosine.
Molecular consequence: missense variant. On other transcripts: non-coding transcript variant (1), intron variant (2).
Genome position (GRCh38, 1-based): chr11:111,844,604, G>A on the plus strand (C>T on the coding strand, the complement: ALG9 is on the minus strand). VCF-style: chr11-111844604-G-A. GRCh37 (hg19) VCF-style: chr11-111715327-G-A.
Other names: c.1015C>T, p.His339Tyr (NM_001077690.1, NM_001352417.1); c.502C>T, p.His168Tyr (NM_001077691.2, NM_001077692.2, NM_001352409.1 and 10 more transcripts); c.427C>T, p.His143Tyr (NM_001352422.2); c.896-3795C>T (NM_001352418.1); c.383-3795C>T (NM_001352423.2); short protein forms H168Y, H339Y, H143Y.
Identifiers: ClinVar variation 1949385 (VCV001949385.5), dbSNP rs782528335, ClinGen allele CA6274512.